The following is an entry in ClinVar:

NM_203446.3(SYNJ1):c.2814G>A (p.Met938Ile)

Gene: SYNJ1 (synaptojanin 1; minus strand). Cytogenetic location: 21q22.11.
Variant type: single nucleotide variant.
Coding change: c.2814G>A on transcript NM_203446.3 (MANE Select); coding-DNA position 2814, G replaced by A.
Protein change: p.Met938Ile; replaces methionine 938 with isoleucine.
Molecular consequence: missense variant.
Genome position (GRCh38, 1-based): chr21:32,653,348, C>T on the plus strand (G>A on the coding strand, the complement: SYNJ1 is on the minus strand). VCF-style: chr21-32653348-C-T. GRCh37 (hg19) VCF-style: chr21-34025658-C-T.
Other names: c.2814G>A, p.Met938Ile (NM_001160302.2); c.2799G>A, p.Met933Ile (NM_001160306.2); c.2931G>A, p.Met977Ile (NM_003895.4); short protein forms M933I, M977I, M938I.
Identifiers: ClinVar variation 856645 (VCV000856645.8), dbSNP rs546854566, ClinGen allele CA10003571.

ClinVar aggregate classification (germline): Uncertain significance. Review status: criteria provided, multiple submitters, no conflicts (2 of 4 stars). 3 submissions from 3 submitters: Uncertain significance (3). Last evaluated 2025-01-15.

Conditions:
Early-onset Parkinson disease 20. Also called: PARKINSON DISEASE 20, AUTOSOMAL RECESSIVE EARLY-ONSET. Identifiers: Orphanet 391411, MedGen C3809824, MONDO:0014233, OMIM 615530.
Developmental and epileptic encephalopathy, 53. Also called: Epileptic encephalopathy, early infantile, 53. Identifiers: MedGen C4479313, MONDO:0033362, OMIM 617389.
Inborn genetic diseases. Identifiers: MedGen C0950123, MeSH D030342.

Allele frequency attached by ClinVar (database versions not stated): ExAC 0.00002; gnomAD exomes 0.00003 and 0.00004; TOPMed 0.00003; gnomAD 0.00004.
gnomAD v4.1: 60 of 1,613,102 alleles (0.0037%); highest among the groups gnomAD compares: Non-Finnish European, 0.0047%; no homozygotes.

Submissions (3):

Ambry Genetics
Classification: Uncertain significance for Inborn genetic diseases. Last evaluated: 2025-01-15. Review status: criteria provided, single submitter. Criteria: Ambry Variant Classification Scheme 2023. Collection method: clinical testing. Allele origin: germline.

Blueprint Genetics
Classification: Uncertain significance. Last evaluated: 2024-07-06. Review status: criteria provided, single submitter. Criteria: ACMG Guidelines, 2015. Collection method: clinical testing. Allele origin: germline.

Labcorp Genetics (formerly Invitae), Labcorp
Classification: Uncertain significance for Developmental and epileptic encephalopathy, 53; Early-onset Parkinson disease 20. Last evaluated: 2023-08-10. Review status: criteria provided, single submitter. Criteria: Invitae Variant Classification Sherloc (09022015). Collection method: clinical testing. Allele origin: germline.
Comment: In summary, the available evidence is currently insufficient to determine the role of this variant in disease. Therefore, it has been classified as a Variant of Uncertain Significance. Advanced modeling of protein sequence and biophysical properties (such as structural, functional, and spatial information, amino acid conservation, physicochemical variation, residue mobility, and thermodynamic stability) performed at Invitae indicates that this missense variant is not expected to disrupt SYNJ1 protein function. ClinVar contains an entry for this variant (Variation ID: 856645). This variant has not been reported in the literature in individuals affected with SYNJ1-related conditions. This variant is present in population databases (rs546854566, gnomAD 0.006%). This sequence change replaces methionine, which is neutral and non-polar, with isoleucine, which is neutral and non-polar, at codon 977 of the SYNJ1 protein (p.Met977Ile).